The following is an entry in ClinVar:

NM_004183.4(BEST1):c.867+131G>A

Gene: BEST1 (bestrophin 1; plus strand). Cytogenetic location: 11q12.3.
Variant type: single nucleotide variant.
Coding change: c.867+131G>A on transcript NM_004183.4 (MANE Select); 131 bases into the intron after coding-DNA position 867, G replaced by A.
Molecular consequence: intron variant. On other transcripts: missense variant (1), 5 prime UTR variant (1), non-coding transcript variant (1).
Genome position (GRCh38, 1-based): chr11:61,958,429, G>A. VCF-style: chr11-61958429-G-A. GRCh37 (hg19) VCF-style: chr11-61725901-G-A.
Other names: c.998G>A, p.Arg333His (NM_001363592.2); c.-178G>A (NM_001363593.3); c.867+131G>A (NM_001440571.1, NM_001440572.1); c.714+965G>A (NM_001440573.1); c.687+131G>A (NM_001139443.3, NM_001300787.2, NM_001440574.1 and 1 more transcripts); c.534+965G>A (NM_001440575.1, NM_001440576.1); c.549+131G>A (NM_001363591.3); short protein forms R333H.
Identifiers: ClinVar variation 3050505 (VCV003050505.2), dbSNP rs2524295, ClinGen allele CA6040901.

ClinVar aggregate classification (germline): Benign (0 of 4 stars; one submission).

Conditions:
BEST1-related disorder. Also called: BEST1-related disorders; BEST1-related condition. Identifiers: MedGen CN239200.

Allele frequency attached by ClinVar (database versions not stated): gnomAD exomes 0.00101; gnomAD 0.00121; TOPMed 0.00166; ExAC 0.00170; 1000 Genomes Project 30x 0.00515; 1000 Genomes Project 0.00579.
gnomAD v4.1: 1,649 of 1,550,178 alleles (0.11%); highest among the groups gnomAD compares: East Asian, 3.6%; 35 homozygotes.

Submission:

PreventionGenetics, part of Exact Sciences
Classification: Benign for BEST1-related condition. Last evaluated: 2019-04-16. Review status: no assertion criteria provided. Collection method: clinical testing. Allele origin: germline.
Comment: This variant is classified as benign based on ACMG/AMP sequence variant interpretation guidelines (Richards et al. 2015 PMID: 25741868, with internal and published modifications).